The following is an entry in ClinVar:

ClinVar aggregate classification (germline): Uncertain significance (1 of 4 stars; one submission).

Conditions:
Idiopathic generalized epilepsy. Also called: Generalised epilepsy; EIG. Identifiers: MedGen C0270850, MONDO:0005579, OMIM 600669.

Submission:

Labcorp Genetics (formerly Invitae), Labcorp
Classification: Uncertain significance for Idiopathic generalized epilepsy. Last evaluated: 2023-04-15. Review status: criteria provided, single submitter. Criteria: Invitae Variant Classification Sherloc (09022015). Collection method: clinical testing. Allele origin: germline.
Comment: In summary, the available evidence is currently insufficient to determine the role of this variant in disease. Therefore, it has been classified as a Variant of Uncertain Significance. Advanced modeling of protein sequence and biophysical properties (such as structural, functional, and spatial information, amino acid conservation, physicochemical variation, residue mobility, and thermodynamic stability) has been performed at Invitae for this missense variant, however the output from this modeling did not meet the statistical confidence thresholds required to predict the impact of this variant on RBFOX1 protein function. This variant has not been reported in the literature in individuals affected with RBFOX1-related conditions. This variant is not present in population databases (gnomAD no frequency). This sequence change replaces methionine, which is neutral and non-polar, with isoleucine, which is neutral and non-polar, at codon 216 of the RBFOX1 protein (p.Met216Ile).

NM_018723.4(RBFOX1):c.588G>C (p.Met196Ile)

Gene: RBFOX1 (RNA binding fox-1 homolog 1; plus strand). Cytogenetic location: 16p13.3.
Variant type: single nucleotide variant.
Coding change: c.588G>C on transcript NM_018723.4 (MANE Select); coding-DNA position 588, G replaced by C.
Protein change: p.Met196Ile; replaces methionine 196 with isoleucine.
Molecular consequence: missense variant.
Genome position (GRCh38, 1-based): chr16:7,597,397, G>C. VCF-style: chr16-7597397-G-C. GRCh37 (hg19) VCF-style: chr16-7647399-G-C.
Other names: c.588G>C, p.Met196Ile (NM_001142333.2, NM_001142334.2, NM_001364800.2); c.717G>C, p.Met239Ile (NM_001308117.1, NM_001411047.1, NM_001415891.1 and 3 more transcripts); c.1185G>C, p.Met395Ile (NM_001415887.1, NM_001415888.1); c.696G>C, p.Met232Ile (NM_001415898.1, NM_001415900.1, NM_001415889.1 and 3 more transcripts); c.663G>C, p.Met221Ile (NM_001415899.1, NM_001415901.1, NM_001415903.1 and 3 more transcripts); c.594G>C, p.Met198Ile (NM_001415902.1, NM_001415917.1, NM_001415911.1); c.648G>C, p.Met216Ile (NM_001415904.1, NM_001415906.1, NM_145891.3 and 4 more transcripts); c.570G>C, p.Met190Ile (NM_001415905.1); and 3 more; short protein forms M196I, M221I, M232I, M239I, M165I, M201I, M216I, M190I.
Identifiers: ClinVar variation 2813361 (VCV002813361.3), dbSNP rs748882469, ClinGen allele CA394683065.